The following is an entry in ClinVar:

ClinVar aggregate classification (germline): Likely benign (1 of 4 stars; one submission).

Allele frequency attached by ClinVar (database versions not stated): gnomAD 0.00001; TOPMed below 0.00001.
gnomAD v4.1: 1 of 1,542,490 alleles (0.000065%); highest among the groups gnomAD compares: Non-Finnish European, 0.000087%; no homozygotes.

Submission:

GeneDx
Classification: Likely benign. Last evaluated: 2017-06-28. Review status: criteria provided, single submitter. Criteria: GeneDx Variant Classification (06012015). Collection method: clinical testing. Allele origin: germline. Affected: yes.
Comment: This variant is considered likely benign or benign based on one or more of the following criteria: it is a conservative change, it occurs at a poorly conserved position in the protein, it is predicted to be benign by multiple in silico algorithms, and/or has population frequency not consistent with disease.

NM_153033.5(KCTD7):c.48T>G (p.Gly16=)

Genes: KCTD7 (potassium channel tetramerization domain containing 7; plus strand), LOC129998533 (ATAC-STARR-seq lymphoblastoid silent region 18210; plus strand). Cytogenetic location: 7q11.21.
Variant type: single nucleotide variant.
Coding change: c.48T>G on transcript NM_153033.5 (MANE Select); coding-DNA position 48, T replaced by G.
Protein change: p.Gly16=; no amino-acid change (glycine 16 retained).
Molecular consequence: synonymous variant.
Genome position (GRCh38, 1-based): chr7:66,629,112, T>G. VCF-style: chr7-66629112-T-G. GRCh37 (hg19) VCF-style: chr7-66094099-T-G.
Other names: c.48T>G, p.Gly16= (NM_001167961.2).
Identifiers: ClinVar variation 379209 (VCV000379209.1), dbSNP rs1057520527, ClinGen allele CA16605883.
Genomic context (GRCh38, chr7:66,629,112, plus strand): 5'-CAGAGCCAGAGGGATGGTGGTAGTCACGGGGCGGGAGCCAGACAGCCGTCGTCAGGACGG[T>G]GCCATGTCCAGCTCTGACGCCGAAGACGACTTTCTGGAGCCGGCCACGCCGACGGCCACG-3'
Protein context (NP_694578.1, residues 6-26): GREPDSRRQD[Gly16=]AMSSSDAEDD